The following is an entry in ClinVar:

ClinVar aggregate classification (germline): Likely benign. Review status: criteria provided, multiple submitters, no conflicts (2 of 4 stars). 3 submissions from 3 submitters: Likely benign (3). Last evaluated 2025-09-24.

Conditions:
Hereditary spastic paraplegia 39 (SPG39). Also called: SPASTIC PARAPLEGIA 39, AUTOSOMAL RECESSIVE; Spastic Paraplegia Type 39 (SPG39). Identifiers: Orphanet 139480, MedGen C2677586, MONDO:0012787, OMIM 612020.

Allele frequency attached by ClinVar (database versions not stated): ExAC 0.00001; gnomAD 0.00001; gnomAD exomes 0.00003; TOPMed 0.00003.

Submissions (3):

Labcorp Genetics (formerly Invitae), Labcorp
Classification: Likely benign for Hereditary spastic paraplegia 39. Last evaluated: 2025-09-24. Review status: criteria provided, single submitter. Criteria: Invitae Variant Classification Sherloc (09022015). Collection method: clinical testing. Allele origin: germline.

Blueprint Genetics
Classification: Likely benign. Last evaluated: 2021-12-07. Review status: criteria provided, single submitter. Criteria: ACMG Guidelines, 2015. Collection method: clinical testing. Allele origin: germline.

GeneDx
Classification: Likely benign. Last evaluated: 2017-06-20. Review status: criteria provided, single submitter. Criteria: GeneDx Variant Classification (06012015). Collection method: clinical testing. Allele origin: germline. Affected: yes.
Comment: This variant is considered likely benign or benign based on one or more of the following criteria: it is a conservative change, it occurs at a poorly conserved position in the protein, it is predicted to be benign by multiple in silico algorithms, and/or has population frequency not consistent with disease.

NM_001166114.2(PNPLA6):c.3281-7C>T

Gene: PNPLA6 (patatin like domain 6, lysophospholipase; plus strand). Cytogenetic location: 19p13.2.
Variant type: single nucleotide variant.
Coding change: c.3281-7C>T on transcript NM_001166114.2 (MANE Select); 7 bases into the intron before coding-DNA position 3281, C replaced by T.
Molecular consequence: intron variant.
Genome position (GRCh38, 1-based): chr19:7,557,161, C>T. VCF-style: chr19-7557161-C-T. GRCh37 (hg19) VCF-style: chr19-7622047-C-T.
Other names: c.3167-7C>T (NM_006702.5, NM_001166113.1); c.3086-7C>T (NM_001166112.2); c.3311-7C>T (NM_001166111.2).
Identifiers: ClinVar variation 518083 (VCV000518083.9), dbSNP rs762489747, ClinGen allele CA9140415.